The following is an entry in ClinVar:

ClinVar aggregate classification (germline): Likely benign (1 of 4 stars; one submission).

gnomAD v4.1: 11 of 1,613,686 alleles (0.00068%); highest among the groups gnomAD compares: Non-Finnish European, 0.00085%; no homozygotes.

Submission:

CeGaT Center for Human Genetics Tuebingen
Classification: Likely benign. Last evaluated: 2026-04-01. Review status: criteria provided, single submitter. Criteria: CeGaT Center For Human Genetics Tuebingen Variant Classification Criteria Version 2. Collection method: clinical testing. Allele origin: germline. Affected: yes. Observed: 1 variant allele.
Comment: CCDC50: BS1

NM_178335.3(CCDC50):c.268G>C (p.Glu90Gln)

Gene: CCDC50 (coiled-coil domain containing 50; plus strand). Cytogenetic location: 3q28.
Variant type: single nucleotide variant.
Coding change: c.268G>C on transcript NM_178335.3 (MANE Select); coding-DNA position 268, G replaced by C.
Protein change: p.Glu90Gln; replaces glutamic acid 90 with glutamine.
Molecular consequence: missense variant.
Genome position (GRCh38, 1-based): chr3:191,361,097, G>C. VCF-style: chr3-191361097-G-C. GRCh37 (hg19) VCF-style: chr3-191078886-G-C.
Other names: c.268G>C, p.Glu90Gln (NM_174908.4); short protein forms E90Q.
Identifiers: ClinVar variation 4874246 (VCV004874246.2).
Genomic context (GRCh38, chr3:191,361,097, plus strand): 5'-TCCTTATTCATGTTTTCACCTTTGCTTTTTAGTGAACAACAAGACTGTGAAATTGCTCAG[G>C]AAATTCAGGAGAAGCTGGCTATTGAGGCAGAGAGACGACGCATTCAGGAGAAGAAGGATG-3'
Protein context (NP_848018.1, residues 80-100): LEQQDCEIAQ[Glu90Gln]IQEKLAIEAE